The following is an entry in ClinVar:

ClinVar aggregate classification (germline): Uncertain significance. Review status: criteria provided, multiple submitters, no conflicts (2 of 4 stars). 2 submissions from 2 submitters: Uncertain significance (2). Last evaluated 2024-10-28.

Allele frequency attached by ClinVar (database versions not stated): 1000 Genomes Project 30x 0.00016; 1000 Genomes Project 0.00020; ESP Exome Variant Server 0.00035.
gnomAD v4.1: 268 of 765,238 alleles (0.035%); highest among the groups gnomAD compares: East Asian, 0.36%; no homozygotes.

Submissions (2):

Blueprint Genetics
Classification: Uncertain significance. Last evaluated: 2024-10-28. Review status: criteria provided, single submitter. Criteria: ACMG Guidelines, 2015. Collection method: clinical testing. Allele origin: germline.

Labcorp Genetics (formerly Invitae), Labcorp
Classification: Uncertain significance. Last evaluated: 2024-10-26. Review status: criteria provided, single submitter. Criteria: Invitae Variant Classification Sherloc (09022015). Collection method: clinical testing. Allele origin: germline.
Comment: This variant occurs in the SNORD118 gene, which encodes an RNA molecule that does not result in a protein product. This variant is present in population databases (rs9893248, gnomAD 0.09%). This variant has been observed in individual(s) with clinical features of cerebral microangiopathy leukoencephalopathy with calcifications and cysts (internal data). In at least one individual the data is consistent with being in trans (on the opposite chromosome) from a pathogenic variant. ClinVar contains an entry for this variant (Variation ID: 1414289). Experimental studies and prediction algorithms are not available or were not evaluated, and the functional significance of this variant is currently unknown. In summary, the available evidence is currently insufficient to determine the role of this variant in disease. Therefore, it has been classified as a Variant of Uncertain Significance.

NR_033294.2(SNORD118):n.90C>T

Genes: SNORD118 (small nucleolar RNA, C/D box 118; minus strand), TMEM107 (transmembrane protein 107; minus strand). Cytogenetic location: 17p13.1.
Variant type: single nucleotide variant.
Molecular consequence: non-coding transcript variant (on NR_033294.2). On other transcripts: 3 prime UTR variant (5).
Genome position: GRCh38 VCF-style: chr17-8173499-G-A. GRCh37 (hg19) VCF-style: chr17-8076817-G-A.
Other names: c.*704C>T (NM_001351278.2, NM_001351279.2, NM_001351280.2 and 2 more transcripts).
Identifiers: ClinVar variation 1414289 (VCV001414289.5), dbSNP rs9893248, ClinGen allele CA8370652.
Genomic context (GRCh38, chr17:8,173,499, plus strand): 5'-TGATCGTCAGAAAGAATCAGACAGGAGCAATCAGGGTGTTGCAAGTCCTGATTACGCAGA[G>A]ACGTTAATCACGTTTCATGCATCTCCAATCATCATGTTCTAATCTGCCCTCCGGAGGAGG-3'